The following is an entry in ClinVar:

NM_000156.6(GAMT):c.218T>C (p.Ile73Thr)

Gene: GAMT (guanidinoacetate N-methyltransferase; minus strand). Cytogenetic location: 19p13.3.
Variant type: single nucleotide variant.
Coding change: c.218T>C on transcript NM_000156.6 (MANE Select); coding-DNA position 218, T replaced by C.
Protein change: p.Ile73Thr; replaces isoleucine 73 with threonine.
Molecular consequence: missense variant.
Genome position (GRCh38, 1-based): chr19:1,399,902, A>G on the plus strand (T>C on the coding strand, the complement: GAMT is on the minus strand). VCF-style: chr19-1399902-A-G. GRCh37 (hg19) VCF-style: chr19-1399901-A-G.
Other names: c.218T>C, p.Ile73Thr (NM_138924.3); short protein forms I73T.
Identifiers: ClinVar variation 940833 (VCV000940833.10), dbSNP rs2082623820, ClinGen allele CA402997019.

ClinVar aggregate classification (germline): Uncertain significance (1 of 4 stars; one submission).

Conditions:
Cerebral creatine deficiency syndrome. Also called: Creatine deficiency syndromes. Identifiers: Orphanet 79172, MedGen C5244016, MONDO:0000456.

Allele frequency attached by ClinVar (database versions not stated): gnomAD exomes below 0.00001.
gnomAD v4.1: 1 of 1,609,026 alleles (0.000062%); highest among the groups gnomAD compares: Non-Finnish European, 0.000085%; no homozygotes.

Submission:

Labcorp Genetics (formerly Invitae), Labcorp
Classification: Uncertain significance for Cerebral creatine deficiency syndrome. Last evaluated: 2019-09-18. Review status: criteria provided, single submitter. Criteria: Invitae Variant Classification Sherloc (09022015). Collection method: clinical testing. Allele origin: germline.
Comment: This variant has not been reported in the literature in individuals with GAMT-related conditions. In summary, the available evidence is currently insufficient to determine the role of this variant in disease. Therefore, it has been classified as a Variant of Uncertain Significance. Algorithms developed to predict the effect of missense changes on protein structure and function (SIFT, PolyPhen-2, Align-GVGD) all suggest that this variant is likely to be disruptive, but these predictions have not been confirmed by published functional studies and their clinical significance is uncertain. This variant is not present in population databases (ExAC no frequency). This sequence change replaces isoleucine with threonine at codon 73 of the GAMT protein (p.Ile73Thr). The isoleucine residue is highly conserved and there is a moderate physicochemical difference between isoleucine and threonine.